The following is an entry in ClinVar:

NM_004655.4(AXIN2):c.1066C>G (p.His356Asp)

Gene: AXIN2 (axin 2; minus strand). Cytogenetic location: 17q24.1.
Variant type: single nucleotide variant.
Coding change: c.1066C>G on transcript NM_004655.4 (MANE Select); coding-DNA position 1066, C replaced by G.
Protein change: p.His356Asp; replaces histidine 356 with aspartic acid.
Molecular consequence: missense variant.
Genome position (GRCh38, 1-based): chr17:65,538,337, G>C on the plus strand (C>G on the coding strand, the complement: AXIN2 is on the minus strand). VCF-style: chr17-65538337-G-C. GRCh37 (hg19) VCF-style: chr17-63534455-G-C.
Other names: c.1066C>G, p.His356Asp (NM_001363813.1); short protein forms H356D.
Identifiers: ClinVar variation 1781850 (VCV001781850.6), dbSNP rs2544183326, ClinGen allele CA400678623.
Genomic context (GRCh38, chr17:65,538,337, plus strand): 5'-AGATCAGCTCAGCTGCAAAGGTGGCGGGTTCCACGGGGGTCATCTCCTTGGGCAGGCGGT[G>C]GGTTCTCTACAGGACGTGGAAAGGAAAGGGAGGAGGCACGTTCAGCAGGCTAGGTGGGCG-3'
Protein context (NP_004646.3, residues 346-366): QVSLPHFPRT[His356Asp]RLPKEMTPVE

ClinVar aggregate classification (germline): Uncertain significance. Review status: criteria provided, multiple submitters, no conflicts (2 of 4 stars). 2 submissions from 2 submitters: Uncertain significance (2). Last evaluated 2025-09-12.

Conditions:
Hereditary cancer-predisposing syndrome. Also called: Neoplastic Syndromes, Hereditary; Tumor predisposition; Hereditary Cancer Syndrome; Hereditary neoplastic syndrome. Identifiers: Orphanet 140162, MedGen C0027672, MeSH D009386, MONDO:0015356.
Oligodontia-cancer predisposition syndrome. Also called: TOOTH AGENESIS-COLORECTAL CANCER SYNDROME. Identifiers: Orphanet 300576, MedGen C1837750, MONDO:0012075, OMIM 608615. Disease mechanism: loss of function.

Submissions (2):

Ambry Genetics
Classification: Uncertain significance for Hereditary cancer-predisposing syndrome. Last evaluated: 2025-09-12. Review status: criteria provided, single submitter. Criteria: Ambry Variant Classification Scheme 2023. Collection method: clinical testing. Allele origin: germline.
Comment: The p.H356D variant (also known as c.1066C>G), located in coding exon 4 of the AXIN2 gene, results from a C to G substitution at nucleotide position 1066. The histidine at codon 356 is replaced by aspartic acid, an amino acid with similar properties. This amino acid position is well conserved in available vertebrate species. In addition, the in silico prediction for this alteration is inconclusive. Since supporting evidence is limited at this time, the clinical significance of this alteration remains unclear.

Labcorp Genetics (formerly Invitae), Labcorp
Classification: Uncertain significance for Oligodontia-cancer predisposition syndrome. Last evaluated: 2024-04-29. Review status: criteria provided, single submitter. Criteria: Invitae Variant Classification Sherloc (09022015). Collection method: clinical testing. Allele origin: germline.
Comment: This sequence change replaces histidine, which is basic and polar, with aspartic acid, which is acidic and polar, at codon 356 of the AXIN2 protein (p.His356Asp). This variant is not present in population databases (gnomAD no frequency). This variant has not been reported in the literature in individuals affected with AXIN2-related conditions. ClinVar contains an entry for this variant (Variation ID: 1781850). Advanced modeling of protein sequence and biophysical properties (such as structural, functional, and spatial information, amino acid conservation, physicochemical variation, residue mobility, and thermodynamic stability) performed at Invitae indicates that this missense variant is not expected to disrupt AXIN2 protein function with a negative predictive value of 80%. In summary, the available evidence is currently insufficient to determine the role of this variant in disease. Therefore, it has been classified as a Variant of Uncertain Significance.